The following is an entry in ClinVar:

ClinVar aggregate classification (germline): Uncertain significance (1 of 4 stars; one submission).

Conditions:
Encephalopathy, acute, infection-induced (herpes-specific), susceptibility to, 1. Also called: Herpes simplex encephalitis, susceptibility to, 1. Identifiers: Orphanet 1930, MedGen C2750180, MONDO:0024563, OMIM 610551.

Submission:

Labcorp Genetics (formerly Invitae), Labcorp
Classification: Uncertain significance for Encephalopathy, acute, infection-induced (herpes-specific), susceptibility to, 1. Last evaluated: 2022-04-06. Review status: criteria provided, single submitter. Criteria: Invitae Variant Classification Sherloc (09022015). Collection method: clinical testing. Allele origin: germline.
Comment: This variant is present in population databases (no rsID available, gnomAD 0.0009%). In summary, the available evidence is currently insufficient to determine the role of this variant in disease. Therefore, it has been classified as a Variant of Uncertain Significance. Algorithms developed to predict the effect of missense changes on protein structure and function (SIFT, PolyPhen-2, Align-GVGD) all suggest that this variant is likely to be tolerated. This variant has not been reported in the literature in individuals affected with TLR3-related conditions. This sequence change replaces methionine, which is neutral and non-polar, with valine, which is neutral and non-polar, at codon 100 of the TLR3 protein (p.Met100Val).

NM_003265.3(TLR3):c.298A>G (p.Met100Val)

Gene: TLR3 (toll like receptor 3; plus strand). Cytogenetic location: 4q35.1.
Variant type: single nucleotide variant.
Coding change: c.298A>G on transcript NM_003265.3 (MANE Select); coding-DNA position 298, A replaced by G.
Protein change: p.Met100Val; replaces methionine 100 with valine.
Molecular consequence: missense variant.
Genome position (GRCh38, 1-based): chr4:186,076,917, A>G. VCF-style: chr4-186076917-A-G. GRCh37 (hg19) VCF-style: chr4-186998071-A-G.
Other names: short protein forms M100V.
Identifiers: ClinVar variation 1979498 (VCV001979498.4), dbSNP rs150769655, ClinGen allele CA112539640.